The following is an entry in ClinVar:

ClinVar aggregate classification (germline): Likely benign. Review status: criteria provided, multiple submitters, no conflicts (2 of 4 stars). 4 submissions from 4 submitters: Likely benign (3). 1 of the submissions does not count toward it. Last evaluated 2026-09-01.

Conditions:
Autosomal recessive nonsyndromic hearing loss 77. Identifiers: Orphanet 90636, MedGen C2746083, MONDO:0013119, OMIM 613079.

Allele frequency attached by ClinVar (database versions not stated): gnomAD 0.00001 and 0.00002; gnomAD exomes 0.00001; TOPMed 0.00003.
gnomAD v4.1: 17 of 1,551,498 alleles (0.0011%); highest among the groups gnomAD compares: African/African-American, 0.0027%; no homozygotes.

Submissions (4):

CeGaT Center for Human Genetics Tuebingen
Classification: Likely benign. Last evaluated: 2026-09-01. Review status: criteria provided, single submitter. Criteria: CeGaT Center For Human Genetics Tuebingen Variant Classification Criteria Version 2. Collection method: clinical testing. Allele origin: germline. Affected: yes. Observed: 1 variant allele.
Comment: LOXHD1: BP4, BP7

Labcorp Genetics (formerly Invitae), Labcorp
Classification: Likely benign. Last evaluated: 2026-01-11. Review status: criteria provided, single submitter. Criteria: Invitae Variant Classification Sherloc (09022015). Collection method: clinical testing. Allele origin: germline.

Blueprint Genetics
Classification: Likely benign. Last evaluated: 2024-05-22. Review status: criteria provided, single submitter. Criteria: ACMG Guidelines, 2015. Collection method: clinical testing. Allele origin: germline.

Natera, Inc.
Classification: Likely benign for Autosomal recessive deafness type 77. Last evaluated: 2020-09-16. Review status: no assertion criteria provided. Collection method: clinical testing. Allele origin: germline. Not counted in ClinVar's aggregate classification.

NM_001384474.1(LOXHD1):c.78C>T (p.Tyr26=)

Gene: LOXHD1 (lipoxygenase homology PLAT domains 1; minus strand). Cytogenetic location: 18q21.1.
Variant type: single nucleotide variant.
Coding change: c.78C>T on transcript NM_001384474.1 (MANE Select); coding-DNA position 78, C replaced by T.
Protein change: p.Tyr26=; no amino-acid change (tyrosine 26 retained).
Molecular consequence: synonymous variant.
Genome position (GRCh38, 1-based): chr18:46,656,956, G>A on the plus strand (C>T on the coding strand, the complement: LOXHD1 is on the minus strand). VCF-style: chr18-46656956-G-A. GRCh37 (hg19) VCF-style: chr18-44236919-G-A.
Other names: c.78C>T, p.Tyr26= (NM_144612.7).
Identifiers: ClinVar variation 765831 (VCV000765831.13), dbSNP rs1032456776, ClinGen allele CA299813312.